The following is an entry in ClinVar:

NM_000077.5(CDKN2A):c.370C>G (p.Arg124Gly)

Gene: CDKN2A (cyclin dependent kinase inhibitor 2A; minus strand). Cytogenetic location: 9p21.3.
Variant type: single nucleotide variant.
Coding change: c.370C>G on transcript NM_000077.5; coding-DNA position 370, C replaced by G.
Protein change: p.Arg124Gly; replaces arginine 124 with glycine.
Molecular consequence: missense variant (on NM_000077.6). On other transcripts: 3 prime UTR variant (2).
Genome position (GRCh38, 1-based): chr9:21,970,989, G>C on the plus strand (C>G on the coding strand, the complement: CDKN2A is on the minus strand). VCF-style: chr9-21970989-G-C. GRCh37 (hg19) VCF-style: chr9-21970988-G-C.
Other names: c.370C>G, p.Arg124Gly (NM_000077.6, NM_001195132.2); c.217C>G, p.Arg73Gly (NM_001363763.2); c.*14C>G (NM_058195.4); c.*293C>G (NM_058197.5); short protein forms R124G, R73G.
Identifiers: ClinVar variation 582036 (VCV000582036.21), dbSNP rs34170727, ClinGen allele CA5012171.
Genomic context (GRCh38, chr9:21,970,989, plus strand): 5'-GGGCATGGTTACTGCCTCTGGTGCCCCCCGCAGCCGCGCGCAGGTACCGTGCGACATCGC[G>C]ATGGCCCAGCTCCTCAGCCAGGTCCACGGGCAGACGGCCCCAGGCATCGCGCACGTCCAG-3'
Protein context (NP_000068.1, residues 114-134): PVDLAEELGH[Arg124Gly]DVARYLRAAA

ClinVar aggregate classification (germline): Uncertain significance. Review status: criteria provided, multiple submitters, no conflicts (2 of 4 stars). 4 submissions from 4 submitters: Uncertain significance (4). Last evaluated 2025-09-30.

Conditions:
Familial melanoma. Also called: Hereditary melanoma; Hereditary cutaneous melanoma. Identifiers: Orphanet 618, MedGen C1512419, MONDO:0018961.
Hereditary cancer-predisposing syndrome. Also called: Hereditary neoplastic syndrome; Neoplastic Syndromes, Hereditary; Hereditary Cancer Syndrome; Tumor predisposition. Identifiers: Orphanet 140162, MedGen C0027672, MeSH D009386, MONDO:0015356.

Allele frequency attached by ClinVar (database versions not stated): TOPMed 0.00002.
gnomAD v4.1: 9 of 1,610,014 alleles (0.00056%); highest among the groups gnomAD compares: African/African-American, 0.004%; no homozygotes.

Submissions (4):

Labcorp Genetics (formerly Invitae), Labcorp
Classification: Uncertain significance for Familial melanoma. Last evaluated: 2025-09-30. Review status: criteria provided, single submitter. Criteria: Invitae Variant Classification Sherloc (09022015). Collection method: clinical testing. Allele origin: germline.
Comment: This sequence change replaces arginine, which is basic and polar, with glycine, which is neutral and non-polar, at codon 124 of the CDKN2A (p16INK4a) protein (p.Arg124Gly). This variant is present in population databases (rs34170727, gnomAD 0.003%). This variant has not been reported in the literature in individuals affected with CDKN2A (p16INK4a)-related conditions. ClinVar contains an entry for this variant (Variation ID: 582036). An algorithm developed to predict the effect of missense changes on protein structure and function outputs the following: PolyPhen-2: "Benign". The glycine amino acid residue is found in multiple mammalian species, which suggests that this missense change does not adversely affect protein function. In summary, the available evidence is currently insufficient to determine the role of this variant in disease. Therefore, it has been classified as a Variant of Uncertain Significance.

Ambry Genetics
Classification: Uncertain significance for Hereditary cancer-predisposing syndrome. Last evaluated: 2024-10-28. Review status: criteria provided, single submitter. Criteria: Ambry Variant Classification Scheme 2023. Collection method: clinical testing. Allele origin: germline.
Comment: The p.R124G variant (also known as c.370C>G), located in coding exon 2 of the CDKN2A gene, results from a C to G substitution at nucleotide position 370. The arginine at codon 124 is replaced by glycine, an amino acid with dissimilar properties. Of note, this alteration is also known as c.413C>G in the p14(ARF) isoform. This amino acid position is not well conserved in available vertebrate species. In addition, the in silico prediction for this alteration is inconclusive. Based on the available evidence, the clinical significance of this variant remains unclear.

GeneDx
Classification: Uncertain significance. Last evaluated: 2024-01-17. Review status: criteria provided, single submitter. Criteria: GeneDx Variant Classification Process June 2021. Collection method: clinical testing. Allele origin: germline. Affected: yes.
Comment: Not observed at significant frequency in large population cohorts (gnomAD); In silico analysis supports that this missense variant does not alter protein structure/function; Has not been previously published as pathogenic or benign to our knowledge

Color Diagnostics, LLC DBA Color Health
Classification: Uncertain significance for Hereditary cancer-predisposing syndrome. Last evaluated: 2019-05-02. Review status: criteria provided, single submitter. Criteria: ACMG Guidelines, 2015. Collection method: clinical testing. Allele origin: germline.